The following is an entry in ClinVar:

ClinVar aggregate classification (germline): Uncertain significance (1 of 4 stars; one submission).

Submission:

Labcorp Genetics (formerly Invitae), Labcorp
Classification: Uncertain significance. Last evaluated: 2022-02-03. Review status: criteria provided, single submitter. Criteria: Invitae Variant Classification Sherloc (09022015). Collection method: clinical testing. Allele origin: germline.
Comment: In summary, the available evidence is currently insufficient to determine the role of this variant in disease. Therefore, it has been classified as a Variant of Uncertain Significance. Experimental studies and prediction algorithms are not available or were not evaluated, and the effect of this variant on mRNA splicing is currently unknown. This variant has not been reported in the literature in individuals affected with HTT-related conditions. This variant is not present in population databases (gnomAD no frequency). This sequence change falls in intron 56 of the HTT gene. It does not directly change the encoded amino acid sequence of the HTT protein.

NM_001388492.1(HTT):c.7766-13_7766-8del

Gene: HTT (huntingtin; plus strand). Cytogenetic location: 4p16.3.
Variant type: Deletion.
Coding change: c.7766-13_7766-8del on transcript NM_001388492.1 (MANE Select); 13 bases into the intron before coding-DNA position 7766 through 8 bases into the intron before coding-DNA position 7766, 6 bases deleted (CTGGTG; older notation c.7766-13_7766-8delCTGGTG).
Molecular consequence: intron variant.
Genome position (GRCh38, 1-based): chr4:3,225,648-3,225,653, CTGGTG deleted; deleting any 6 consecutive bases within chr4:3,225,644-3,225,653 gives the same sequence; the c. name uses the placement nearest the transcript's 3' end. VCF-style (leftmost placement, unchanged base first): chr4-3225643-GGGTGCT-G. GRCh37 (hg19) VCF-style: chr4-3227370-GGGTGCT-G.
Other names: c.7766-13_7766-8del (NM_002111.8).
Identifiers: ClinVar variation 1506423 (VCV001506423.8), dbSNP rs2110291419, ClinGen allele CA2573137586.